The following is an entry in ClinVar:

ClinVar aggregate classification (germline): Likely benign. Review status: criteria provided, multiple submitters, no conflicts (2 of 4 stars). 2 submissions from 2 submitters: Likely benign (2). Last evaluated 2024-09-15.

Conditions:
Creatine transporter deficiency (CCDS1). Also called: Mental retardation , X-linked with seizures, short stature and midface hypoplasia; Mental retardation , X-linked, with creatine transport deficiency; X-linked creatine transporter deficiency; X-linked creatine deficiency syndrome; SLC6A8-Related Creatine Transporter Deficiency; CREATINE TRANSPORTER DEFECT. Identifiers: Orphanet 52503, MedGen C1845862, MONDO:0010305, OMIM 300352.

Allele frequency attached by ClinVar (database versions not stated): TOPMed 0.00001; gnomAD 0.00002.

Submissions (2):

Labcorp Genetics (formerly Invitae), Labcorp
Classification: Likely benign for Creatine transporter deficiency. Last evaluated: 2024-09-15. Review status: criteria provided, single submitter. Criteria: Invitae Variant Classification Sherloc (09022015). Collection method: clinical testing. Allele origin: germline.

GeneDx
Classification: Likely benign. Last evaluated: 2018-05-21. Review status: criteria provided, single submitter. Criteria: GeneDx Variant Classification (06012015). Collection method: clinical testing. Allele origin: germline. Affected: yes.
Comment: This variant is considered likely benign or benign based on one or more of the following criteria: it is a conservative change, it occurs at a poorly conserved position in the protein, it is predicted to be benign by multiple in silico algorithms, and/or has population frequency not consistent with disease.

NM_005629.4(SLC6A8):c.1731G>A (p.Leu577=)

Gene: SLC6A8 (solute carrier family 6 member 8; plus strand). Cytogenetic location: Xq28.
Variant type: single nucleotide variant.
Coding change: c.1731G>A on transcript NM_005629.4 (MANE Select); coding-DNA position 1731, G replaced by A.
Protein change: p.Leu577=; no amino-acid change (leucine 577 retained).
Molecular consequence: synonymous variant.
Genome position (GRCh38, 1-based): chrX:153,694,853, G>A. VCF-style: chrX-153694853-G-A. GRCh37 (hg19) VCF-style: chrX-152960308-G-A.
Other names: c.1701G>A, p.Leu567= (NM_001142805.2); c.1386G>A, p.Leu462= (NM_001142806.1).
Identifiers: ClinVar variation 668548 (VCV000668548.8), dbSNP rs1603217844, ClinGen allele CA519345061.